The following is an entry in ClinVar:

NM_000531.6(OTC):c.66T>C (p.Val22=)

Gene: OTC (ornithine transcarbamylase; plus strand). Cytogenetic location: Xp11.4.
Variant type: single nucleotide variant.
Coding change: c.66T>C on transcript NM_000531.6 (MANE Select); coding-DNA position 66, T replaced by C.
Protein change: p.Val22=; no amino-acid change (valine 22 retained).
Molecular consequence: synonymous variant.
Genome position (GRCh38, 1-based): chrX:38,352,762, T>C. VCF-style: chrX-38352762-T-C. GRCh37 (hg19) VCF-style: chrX-38212015-T-C.
Identifiers: ClinVar variation 1127252 (VCV001127252.10), dbSNP rs1237799169, ClinGen allele CA515642596.
Genomic context (GRCh38, chrX:38,352,762, plus strand): 5'-GTTTAATCTGAGGATCCTGTTAAACAATGCAGCTTTTAGAAATGGTCACAACTTCATGGT[T>C]CGAAATTTTCGGTAAGTGATGGTCAGAGACTTGGGTTTGATTTAGGAATCATGGTGATGC-3'
Protein context (NP_000522.3, residues 12-32): AAFRNGHNFM[Val22=]RNFRCGQPLQ

ClinVar aggregate classification (germline): Likely benign. Review status: criteria provided, multiple submitters, no conflicts (2 of 4 stars). 3 submissions from 3 submitters: Likely benign (3). Last evaluated 2023-11-20.

Conditions:
Ornithine carbamoyltransferase deficiency (OTCD). Also called: Ornithine Carbamoyltransferase Deficiency Disease; ORNITHINE TRANSCARBAMYLASE DEFICIENCY; ORNITHINE TRANSCARBAMYLASE DEFICIENCY, HYPERAMMONEMIA DUE TO; OTC DEFICIENCY. Identifiers: Orphanet 664, MedGen C0268542, MONDO:0010703, OMIM 311250.

Allele frequency attached by ClinVar (database versions not stated): gnomAD exomes below 0.00001 and 0.00001; TOPMed 0.00001.
gnomAD v4.1: 1 of 1,199,180 alleles (0.000083%); highest among the groups gnomAD compares: East Asian, 0.003%; no homozygotes.

Submissions (3):

All of Us Research Program, National Institutes of Health
Classification: Likely benign for Ornithine carbamoyltransferase deficiency. Last evaluated: 2023-11-20. Review status: criteria provided, single submitter. Criteria: ACMG Guidelines, 2015. Collection method: clinical testing. Allele origin: germline. Inheritance: X-linked inheritance. Observed: 1 variant allele, 1 heterozygote.
Comment: This study involves interpretation of variants in research participants for the purpose of population health screening. Participant phenotype was not available at the time of variant classification. Additional details can be found in publication PMID: 35346344, PMCID: PMC8962531

Labcorp Genetics (formerly Invitae), Labcorp
Classification: Likely benign for Ornithine carbamoyltransferase deficiency. Last evaluated: 2022-09-19. Review status: criteria provided, single submitter. Criteria: Invitae Variant Classification Sherloc (09022015). Collection method: clinical testing. Allele origin: germline.

Color Diagnostics, LLC DBA Color Health
Classification: Likely benign for Ornithine carbamoyltransferase deficiency. Last evaluated: 2022-04-28. Review status: criteria provided, single submitter. Criteria: ACMG Guidelines, 2015. Collection method: clinical testing. Allele origin: germline.